The following is an entry in ClinVar:

NM_005422.4(TECTA):c.3509T>A (p.Ile1170Asn)

Genes: TBCEL-TECTA (TBCEL-TECTA readthrough; plus strand), TECTA (tectorin alpha; plus strand). Cytogenetic location: 11q23.3.
Variant type: single nucleotide variant.
Coding change: c.3509T>A on transcript NM_005422.4 (MANE Select); coding-DNA position 3509, T replaced by A.
Protein change: p.Ile1170Asn; replaces isoleucine 1170 with asparagine.
Molecular consequence: missense variant.
Genome position (GRCh38, 1-based): chr11:121,137,988, T>A. VCF-style: chr11-121137988-T-A. GRCh37 (hg19) VCF-style: chr11-121008697-T-A.
Other names: c.4466T>A, p.Ile1489Asn (NM_001378761.1); short protein forms I1489N, I1170N.
Identifiers: ClinVar variation 4981983 (VCV004981983.1).
Genomic context (GRCh38, chr11:121,137,988, plus strand): 5'-GGGACCCGTCACTGGCCTTGTGGGTTAAGCAGGTGGACGTGACCGTGTTTGGCTACAGCA[T>A]CGTGATCCACCGAGCTTACAAGCACACTGTGCTGGTGAGTAGTCATGAGGTCCCCTCAAA-3'
Protein context (NP_005413.2, residues 1160-1180): QVDVTVFGYS[Ile1170Asn]VIHRAYKHTV

ClinVar aggregate classification (germline): Uncertain significance (1 of 4 stars; one submission).

Conditions:
TECTA-related disorder. Also called: TECTA-related condition.

gnomAD v4.1: 1 of 1,613,626 alleles (0.000062%); highest among the groups gnomAD compares: Admixed American, 0.0017%; no homozygotes.

Submission:

PreventionGenetics, part of Exact Sciences
Classification: Uncertain significance for TECTA-related condition. Last evaluated: 2026-09-04. Review status: criteria provided, single submitter. Criteria: ACMG Guidelines, 2015. Collection method: clinical testing. Allele origin: germline.
Comment: The TECTA c.3509T>A variant is predicted to result in the amino acid substitution p.Ile1170Asn. To our knowledge, this variant has not been reported in the literature. This variant is reported in 0.0058% of alleles in individuals of Latino descent in gnomAD. At this time, the clinical significance of this variant is uncertain due to the absence of conclusive functional and genetic evidence.